The following is an entry in ClinVar:

ClinVar aggregate classification (germline): Uncertain significance (1 of 4 stars; one submission).

Conditions:
LAMA2-related muscular dystrophy (LAMA2-RD). Also called: Laminin alpha 2-related dystrophy. Identifiers: MedGen C5679788, MONDO:0100228.

Allele frequency attached by ClinVar (database versions not stated): ExAC 0.00001; gnomAD 0.00001; gnomAD exomes 0.00001 and 0.00002.
gnomAD v4.1: 25 of 1,589,486 alleles (0.0016%); highest among the groups gnomAD compares: East Asian, 0.0022%; no homozygotes.

Submission:

Labcorp Genetics (formerly Invitae), Labcorp
Classification: Uncertain significance for LAMA2-related muscular dystrophy. Last evaluated: 2025-01-10. Review status: criteria provided, single submitter. Criteria: Invitae Variant Classification Sherloc (09022015). Collection method: clinical testing. Allele origin: germline.
Comment: This sequence change replaces proline, which is neutral and non-polar, with leucine, which is neutral and non-polar, at codon 596 of the LAMA2 protein (p.Pro596Leu). This variant is present in population databases (rs781728421, gnomAD 0.006%). This variant has not been reported in the literature in individuals affected with LAMA2-related conditions. ClinVar contains an entry for this variant (Variation ID: 477445). Invitae Evidence Modeling of protein sequence and biophysical properties (such as structural, functional, and spatial information, amino acid conservation, physicochemical variation, residue mobility, and thermodynamic stability) indicates that this missense variant is not expected to disrupt LAMA2 protein function with a negative predictive value of 95%. In summary, the available evidence is currently insufficient to determine the role of this variant in disease. Therefore, it has been classified as a Variant of Uncertain Significance.

NM_000426.4(LAMA2):c.1787C>T (p.Pro596Leu)

Gene: LAMA2 (laminin subunit alpha 2; plus strand). Cytogenetic location: 6q22.33.
Variant type: single nucleotide variant.
Coding change: c.1787C>T on transcript NM_000426.4 (MANE Select); coding-DNA position 1787, C replaced by T.
Protein change: p.Pro596Leu; replaces proline 596 with leucine.
Molecular consequence: missense variant.
Genome position (GRCh38, 1-based): chr6:129,250,116, C>T. VCF-style: chr6-129250116-C-T. GRCh37 (hg19) VCF-style: chr6-129571261-C-T.
Other names: c.1787C>T, p.Pro596Leu (NM_001079823.2); short protein forms P596L.
Identifiers: ClinVar variation 477445 (VCV000477445.3), dbSNP rs781728421, ClinGen allele CA3992749.